The following is an entry in ClinVar:

NM_080425.4(GNAS):c.1719C>T (p.Asp573=)

Gene: GNAS (GNAS complex locus; plus strand). Cytogenetic location: 20q13.32.
Variant type: single nucleotide variant.
Coding change: c.1719C>T on transcript NM_080425.4 (MANE Plus Clinical); coding-DNA position 1719, C replaced by T.
Protein change: p.Asp573=; no amino-acid change (aspartic acid 573 retained).
Molecular consequence: synonymous variant. On other transcripts: missense variant (2), intron variant (3).
Genome position (GRCh38, 1-based): chr20:58,854,984, C>T. VCF-style: chr20-58854984-C-T. GRCh37 (hg19) VCF-style: chr20-57430039-C-T.
Other names: c.1532C>T, p.Thr511Met (NM_001077490.3, NM_001309883.1); c.1719C>T, p.Asp573= (NM_001410913.1); c.*42+14098C>T (NM_016592.5); c.43+14098C>T (NM_001410912.1); c.-39+13109C>T (NM_001309861.2); short protein forms T511M.
Identifiers: ClinVar variation 2628602 (VCV002628602.3), dbSNP rs753322339, ClinGen allele CA9926744.
Genomic context (GRCh38, chr20:58,854,984, plus strand): 5'-CAAGTCCGAGAGCAGCCGCGGCCGCCGCGTGTACTACGATGAAGGGGTGGCCAGCAGCGA[C>T]GATGACTCCAGCGGAGACGAGTCCGACGATGGGACCTCCGGATGCCTCCGCTGGTTTCAG-3'
Protein context (NP_536350.2, residues 563-583): VYYDEGVASS[Asp573=]DDSSGDESDD

ClinVar aggregate classification (germline): Uncertain significance (1 of 4 stars; one submission).

Conditions:
GNAS-related disorder. Identifiers: MedGen CN380105.

Allele frequency attached by ClinVar (database versions not stated): gnomAD 0.00001; ExAC 0.00001; TOPMed 0.00004.
gnomAD v4.1: 50 of 1,612,252 alleles (0.0031%); highest among the groups gnomAD compares: Non-Finnish European, 0.0039%; no homozygotes.

Submission:

PreventionGenetics, part of Exact Sciences
Classification: Uncertain significance for GNAS-related condition. Last evaluated: 2025-03-19. Review status: criteria provided, single submitter. Criteria: ACMG Guidelines, 2015. Collection method: clinical testing. Allele origin: germline.
Comment: The GNAS c.1532C>T variant is predicted to result in the amino acid substitution p.Thr511Met. In the primary transcript NM_000516.7, this variant is pre-coding (c.-36743C>T). To our knowledge, this variant has not been reported in the literature. This variant is reported in 0.0043% of alleles in individuals of African descent in gnomAD. At this time, the clinical significance of this variant is uncertain due to the absence of conclusive functional and genetic evidence.